The following is an entry in ClinVar:

ClinVar aggregate classification (germline): Uncertain significance. Review status: criteria provided, multiple submitters, no conflicts (2 of 4 stars). 4 submissions from 4 submitters: Uncertain significance (3). 1 of the submissions does not count toward it. Last evaluated 2026-01-17.

Conditions:
COL12A1-related disorder. Also called: COL12A1-related condition.
Ullrich congenital muscular dystrophy 2 (UCMD2). Identifiers: Orphanet 75840, MedGen C4225314, MONDO:0014654, OMIM 616470.
Bethlem myopathy 2 (BTHLM2). Identifiers: Orphanet 536516, Orphanet 610, MedGen C4225313, MONDO:0034022, OMIM 616471.

Allele frequency attached by ClinVar (database versions not stated): gnomAD exomes below 0.00001.
gnomAD v4.1: 1 of 1,613,844 alleles (0.000062%); highest among the groups gnomAD compares: Non-Finnish European, 0.000085%; no homozygotes.

Submissions (4):

Labcorp Genetics (formerly Invitae), Labcorp
Classification: Uncertain significance for Bethlem myopathy 2; Ullrich congenital muscular dystrophy 2. Last evaluated: 2026-01-17. Review status: criteria provided, single submitter. Criteria: Invitae Variant Classification Sherloc (09022015). Collection method: clinical testing. Allele origin: germline.
Comment: This sequence change replaces arginine, which is basic and polar, with glycine, which is neutral and non-polar, at codon 1575 of the COL12A1 protein (p.Arg1575Gly). This variant is present in population databases (no rsID available, gnomAD 0.0009%). This variant has not been reported in the literature in individuals affected with COL12A1-related conditions. ClinVar contains an entry for this variant (Variation ID: 450355). Invitae Evidence Modeling of protein sequence and biophysical properties (such as structural, functional, and spatial information, amino acid conservation, physicochemical variation, residue mobility, and thermodynamic stability) indicates that this missense variant is not expected to disrupt COL12A1 protein function with a negative predictive value of 80%. In summary, the available evidence is currently insufficient to determine the role of this variant in disease. Therefore, it has been classified as a Variant of Uncertain Significance.

Mayo Clinic Laboratories, Mayo Clinic
Classification: Uncertain significance. Last evaluated: 2025-09-26. Review status: criteria provided, single submitter. Criteria: ACMG Guidelines, 2015. Collection method: clinical testing. Allele origin: germline. Observed: 1 variant allele.
Comment: BP4_moderate, PM2_supporting

GeneDx
Classification: Uncertain significance. Last evaluated: 2017-07-17. Review status: criteria provided, single submitter. Criteria: GeneDx Variant Classification (06012015). Collection method: clinical testing. Allele origin: germline. Affected: yes.
Comment: The R1575G variant in the COL12A1 gene has not been reported previously as a pathogenic variant, nor as a benign variant, to our knowledge. The R1575G variant is not observed in large population cohorts (Lek et al., 2016; 1000 Genomes Consortium et al., 2015; Exome Variant Server). The R1575G variant is a non-conservative amino acid substitution, which is likely to impact secondary protein structure as these residues differ in polarity, charge, size and/or other properties. However, this substitution occurs at a position that is not conserved across species, and in silico analysis is inconsistent in its predictions as to whether or not the variant is damaging to the protein structure/function. We interpret R1575G as a variant of uncertain significance.

PreventionGenetics, part of Exact Sciences
Classification: Uncertain significance for COL12A1-related condition. Last evaluated: 2024-07-17. Review status: no assertion criteria provided. Collection method: clinical testing. Allele origin: germline. Not counted in ClinVar's aggregate classification.
Comment: The COL12A1 c.4723A>G variant is predicted to result in the amino acid substitution p.Arg1575Gly. To our knowledge, this variant has not been reported in the literature. This variant is reported in 0.00089% of alleles in individuals of European (non-Finnish) descent in gnomAD. At this time, the clinical significance of this variant is uncertain due to the absence of conclusive functional and genetic evidence.

NM_004370.6(COL12A1):c.4723A>G (p.Arg1575Gly)

Gene: COL12A1 (collagen type XII alpha 1 chain; minus strand). Cytogenetic location: 6q13.
Variant type: single nucleotide variant.
Coding change: c.4723A>G on transcript NM_004370.6 (MANE Select); coding-DNA position 4723, A replaced by G.
Protein change: p.Arg1575Gly; replaces arginine 1575 with glycine.
Molecular consequence: missense variant.
Genome position (GRCh38, 1-based): chr6:75,143,356, T>C on the plus strand (A>G on the coding strand, the complement: COL12A1 is on the minus strand). VCF-style: chr6-75143356-T-C. GRCh37 (hg19) VCF-style: chr6-75853072-T-C.
Other names: p.Arg1575Gly; c.1231A>G, p.Arg411Gly (NM_080645.3); short protein forms R1575G, R411G.
Identifiers: ClinVar variation 450355 (VCV000450355.13), dbSNP rs1490798316, ClinGen allele CA364742374.